The following is an entry in ClinVar:

ClinVar aggregate classification (germline): Uncertain significance. Review status: criteria provided, multiple submitters, no conflicts (2 of 4 stars). 3 submissions from 3 submitters: Uncertain significance (3). Last evaluated 2024-05-10.

Conditions:
Bartsocas-Papas syndrome 1. Also called: MULTIPLE PTERYGIUM SYNDROME, ASLAN TYPE; Bartsocas-Papas syndrome; PTERYGIUM, POPLITEAL, LETHAL TYPE. Identifiers: Orphanet 1234, MedGen C1849718, MONDO:0009901, OMIM 263650.
Inborn genetic diseases. Identifiers: MedGen C0950123, MeSH D030342.

Allele frequency attached by ClinVar (database versions not stated): ExAC 0.00006; gnomAD exomes 0.00007 and 0.00008; TOPMed 0.00009; gnomAD 0.00013; ESP Exome Variant Server 0.00015.
gnomAD v4.1: 130 of 1,614,090 alleles (0.0081%); highest among the groups gnomAD compares: Non-Finnish European, 0.011%; no homozygotes.

Submissions (3):

Ambry Genetics
Classification: Uncertain significance for Inborn genetic diseases. Last evaluated: 2024-05-10. Review status: criteria provided, single submitter. Criteria: Ambry Variant Classification Scheme 2023. Collection method: clinical testing. Allele origin: germline.

Baylor Genetics
Classification: Uncertain significance for Bartsocas-Papas syndrome 1. Last evaluated: 2018-03-21. Review status: criteria provided, single submitter. Criteria: ACMG Guidelines, 2015. Collection method: clinical testing. Allele origin: maternal. Affected: yes.
Comment: This variant was determined to be of uncertain significance according to ACMG Guidelines, 2015 [PMID:25741868].

Illumina Laboratory Services, Illumina
Classification: Uncertain significance for Bartsocas-Papas syndrome 1. Last evaluated: 2018-01-13. Review status: criteria provided, single submitter. Criteria: ICSL Variant Classification Criteria 13 December 2019. Collection method: clinical testing. Allele origin: germline.

NM_020639.3(RIPK4):c.277G>A (p.Gly93Ser)

Gene: RIPK4 (receptor interacting serine/threonine kinase 4; minus strand). Cytogenetic location: 21q22.3.
Variant type: single nucleotide variant.
Coding change: c.277G>A on transcript NM_020639.3 (MANE Select); coding-DNA position 277, G replaced by A.
Protein change: p.Gly93Ser; replaces glycine 93 with serine.
Molecular consequence: missense variant.
Genome position (GRCh38, 1-based): chr21:41,756,722, C>T on the plus strand (G>A on the coding strand, the complement: RIPK4 is on the minus strand). VCF-style: chr21-41756722-C-T. GRCh37 (hg19) VCF-style: chr21-43176882-C-T.
Other names: short protein forms G93S.
Identifiers: ClinVar variation 895414 (VCV000895414.8), dbSNP rs372343704, ClinGen allele CA10035808.